The following is an entry in ClinVar:

ClinVar aggregate classification (germline): Likely pathogenic (1 of 4 stars; one submission).

Submission:

GeneDx
Classification: Likely pathogenic. Last evaluated: 2023-10-28. Review status: criteria provided, single submitter. Criteria: GeneDx Variant Classification Process June 2021. Collection method: clinical testing. Allele origin: germline. Affected: yes.
Comment: Published functional studies demonstrate a damaging effect (secretion defect) (PMID: 25485908); Not observed at significant frequency in large population cohorts (gnomAD); In silico analysis supports that this missense variant has a deleterious effect on protein structure/function; This variant is associated with the following publications: (PMID: 26773249, 20863412, 18711109, 15079011, 25485908, 19191227)

NM_005097.4(LGI1):c.893T>C (p.Ile298Thr)

Gene: LGI1 (leucine rich glioma inactivated 1; plus strand). Cytogenetic location: 10q23.33.
Variant type: single nucleotide variant.
Coding change: c.893T>C on transcript NM_005097.4 (MANE Select); coding-DNA position 893, T replaced by C.
Protein change: p.Ile298Thr; replaces isoleucine 298 with threonine.
Molecular consequence: missense variant. On other transcripts: non-coding transcript variant (1), intron variant (1).
Genome position (GRCh38, 1-based): chr10:93,797,022, T>C. VCF-style: chr10-93797022-T-C. GRCh37 (hg19) VCF-style: chr10-95556779-T-C.
Other names: c.749T>C, p.Ile250Thr (NM_001308276.2); c.839-727T>C (NM_001308275.2); short protein forms I250T, I298T.
Identifiers: ClinVar variation 3252683 (VCV003252683.1), dbSNP rs2492917776.